The following is an entry in ClinVar:

NC_000003.12:g.169764971G>T

Genes: TERC (telomerase RNA component; minus strand), LOC110806306 (telomerase RNA component (TERC) promoter; plus strand). Cytogenetic location: 3q26.2.
Variant type: single nucleotide variant.
Genome position: GRCh38 VCF-style: chr3-169764971-G-T. GRCh37 (hg19) VCF-style: chr3-169482759-G-T.
Identifiers: ClinVar variation 1061979 (VCV001061979.7), dbSNP rs1560578729, ClinGen allele CA436715838.
Genomic context (GRCh38, chr3:169,764,971, plus strand): 5'-TGGAAGGCGGCAGGCCGAGGCTTTTCCGCCCGCTGAAAGTCAGCGAGAAAAACAGCGCGC[G>T]GGGAGCAAAAGCACGGCGCCTACGCCCTTCTCAGTTAGGGTTAGACAAAAAATGGCCACC-3'

ClinVar aggregate classification (germline): Uncertain significance (1 of 4 stars; one submission).

Conditions:
Dyskeratosis congenita, autosomal dominant 1 (DKCA1). Also called: Dyskeratosis congenita Scoggins type. Identifiers: Orphanet 1775, MedGen C4551974, MONDO:0007485, OMIM 127550. Inheritance: Variable.

Submission:

Labcorp Genetics (formerly Invitae), Labcorp
Classification: Uncertain significance for Dyskeratosis congenita, autosomal dominant 1. Last evaluated: 2025-03-31. Review status: criteria provided, single submitter. Criteria: Invitae Variant Classification Sherloc (09022015). Collection method: clinical testing. Allele origin: germline.
Comment: This variant occurs in the TERC gene, which encodes an RNA molecule that does not result in a protein product. This variant is not present in population databases (gnomAD no frequency). This variant has not been reported in the literature in individuals affected with TERC-related conditions. ClinVar contains an entry for this variant (Variation ID: 1061979). This variant is located within the template/pseudoknot domain of the TERC RNA component, which is required for RNA or RNP stability (PMID: 15082312, 21844345). This variant is located in a region of TERC in which a significant number of disease causing variants have been reported (PMID: 15082312, 21844345, 21931702). These observations suggest that this may be a clinically significant region. In summary, the available evidence is currently insufficient to determine the role of this variant in disease. Therefore, it has been classified as a Variant of Uncertain Significance.

Literature cited by the submitters: PubMed 15082312; PubMed 21844345; PubMed 21931702.